The following is an entry in ClinVar:

ClinVar aggregate classification (germline): Uncertain significance (1 of 4 stars; one submission).

Conditions:
Ullrich congenital muscular dystrophy 2 (UCMD2). Identifiers: Orphanet 75840, MedGen C4225314, MONDO:0014654, OMIM 616470.
Bethlem myopathy 2 (BTHLM2). Identifiers: Orphanet 536516, Orphanet 610, MedGen C4225313, MONDO:0034022, OMIM 616471.

Allele frequency attached by ClinVar (database versions not stated): gnomAD exomes below 0.00001; TOPMed 0.00001.
gnomAD v4.1: 3 of 1,614,046 alleles (0.00019%); highest among the groups gnomAD compares: Non-Finnish European, 0.00025%; no homozygotes.

Submission:

Labcorp Genetics (formerly Invitae), Labcorp
Classification: Uncertain significance for Bethlem myopathy 2; Ullrich congenital muscular dystrophy 2. Last evaluated: 2023-03-23. Review status: criteria provided, single submitter. Criteria: Invitae Variant Classification Sherloc (09022015). Collection method: clinical testing. Allele origin: germline.
Comment: In summary, the available evidence is currently insufficient to determine the role of this variant in disease. Therefore, it has been classified as a Variant of Uncertain Significance. Advanced modeling of protein sequence and biophysical properties (such as structural, functional, and spatial information, amino acid conservation, physicochemical variation, residue mobility, and thermodynamic stability) performed at Invitae indicates that this missense variant is not expected to disrupt COL12A1 protein function. This variant has not been reported in the literature in individuals affected with COL12A1-related conditions. This variant is not present in population databases (gnomAD no frequency). This sequence change replaces serine, which is neutral and polar, with leucine, which is neutral and non-polar, at codon 682 of the COL12A1 protein (p.Ser682Leu).

NM_004370.6(COL12A1):c.2045C>T (p.Ser682Leu)

Gene: COL12A1 (collagen type XII alpha 1 chain; minus strand). Cytogenetic location: 6q13.
Variant type: single nucleotide variant.
Coding change: c.2045C>T on transcript NM_004370.6 (MANE Select); coding-DNA position 2045, C replaced by T.
Protein change: p.Ser682Leu; replaces serine 682 with leucine.
Molecular consequence: missense variant. On other transcripts: intron variant (2).
Genome position (GRCh38, 1-based): chr6:75,181,058, G>A on the plus strand (C>T on the coding strand, the complement: COL12A1 is on the minus strand). VCF-style: chr6-75181058-G-A. GRCh37 (hg19) VCF-style: chr6-75890774-G-A.
Other names: c.2045C>T, p.Ser682Leu (NM_001424113.1, NM_001424114.1, NM_001424115.1); c.73+21662C>T (NM_001424116.1, NM_080645.3); short protein forms S682L.
Identifiers: ClinVar variation 2924609 (VCV002924609.3), dbSNP rs1769251636, ClinGen allele CA364766823.
Genomic context (GRCh38, chr6:75,181,058, plus strand): 5'-GTCACATTGACCAAATACAAGGTCTCTGGCTTCAGGCTGCTGAGAACAACACTGGTGCTC[G>A]ATGCTGGCTCCACCACAGTGACCTCATCATCCCCAGCCGCTTCCTTGTAGGTGATGTGAT-3'
Protein context (NP_004361.3, residues 672-692): DDEVTVVEPA[Ser682Leu]STSVVLSSLK